The following is an entry in ClinVar:

ClinVar aggregate classification (germline): Uncertain significance. Review status: criteria provided, multiple submitters, no conflicts (2 of 4 stars). 2 submissions from 2 submitters: Uncertain significance (2). Last evaluated 2025-01-09.

Conditions:
TTC21B-related disorder. Also called: TTC21B-related condition; TTC21B-related disorders.
Jeune thoracic dystrophy. Also called: Short-rib thoracic dysplasia; Jeune syndrome; Infantile thoracic dystrophy; Thoracic pelvic phalangeal dystrophy; Jeune's syndrome; Chondroectodermal dysplasia-like syndrome. Identifiers: Orphanet 474, MedGen C0265275, MONDO:0018770.
Nephronophthisis. Also called: Juvenile Nephronophthisis. Identifiers: Orphanet 655, MedGen C0687120, MONDO:0019005, HP:0000090.

gnomAD v4.1: 3 of 1,612,334 alleles (0.00019%); highest among the groups gnomAD compares: Non-Finnish European, 0.00025%; no homozygotes.

Submissions (2):

PreventionGenetics, part of Exact Sciences
Classification: Uncertain significance for TTC21B-related condition. Last evaluated: 2025-01-09. Review status: criteria provided, single submitter. Criteria: ACMG Guidelines, 2015. Collection method: clinical testing. Allele origin: germline.
Comment: The TTC21B c.1113A>T variant is predicted to result in the amino acid substitution p.Glu371Asp. To our knowledge, this variant has not been reported in the literature. This variant is reported in 0.0018% of alleles in individuals of European (Non-Finnish) descent in gnomAD. At this time, the clinical significance of this variant is uncertain due to the absence of conclusive functional and genetic evidence.

Labcorp Genetics (formerly Invitae), Labcorp
Classification: Uncertain significance for Jeune thoracic dystrophy; Nephronophthisis. Last evaluated: 2022-07-03. Review status: criteria provided, single submitter. Criteria: Invitae Variant Classification Sherloc (09022015). Collection method: clinical testing. Allele origin: germline.
Comment: This sequence change replaces glutamic acid, which is acidic and polar, with aspartic acid, which is acidic and polar, at codon 371 of the TTC21B protein (p.Glu371Asp). This variant is present in population databases (no rsID available, gnomAD 0.002%). This variant has not been reported in the literature in individuals affected with TTC21B-related conditions. Algorithms developed to predict the effect of missense changes on protein structure and function output the following: SIFT: "Tolerated"; PolyPhen-2: "Benign"; Align-GVGD: "Class C0". The aspartic acid amino acid residue is found in multiple mammalian species, which suggests that this missense change does not adversely affect protein function. In summary, the available evidence is currently insufficient to determine the role of this variant in disease. Therefore, it has been classified as a Variant of Uncertain Significance.

NM_024753.5(TTC21B):c.1113A>T (p.Glu371Asp)

Gene: TTC21B (tetratricopeptide repeat domain 21B; minus strand). Cytogenetic location: 2q24.3.
Variant type: single nucleotide variant.
Coding change: c.1113A>T on transcript NM_024753.5 (MANE Select); coding-DNA position 1113, A replaced by T.
Protein change: p.Glu371Asp; replaces glutamic acid 371 with aspartic acid.
Molecular consequence: missense variant.
Genome position (GRCh38, 1-based): chr2:165,929,722, T>A on the plus strand (A>T on the coding strand, the complement: TTC21B is on the minus strand). VCF-style: chr2-165929722-T-A. GRCh37 (hg19) VCF-style: chr2-166786232-T-A.
Other names: c.1113A>T (NM_024753.4); short protein forms E371D.
Identifiers: ClinVar variation 2113567 (VCV002113567.2), dbSNP rs773750065, ClinGen allele CA349066275.